The following is an entry in ClinVar:

ClinVar aggregate classification (germline): Likely benign (0 of 4 stars; one submission).

Conditions:
EPPK1-related disorder. Also called: EPPK1-related condition.

Allele frequency attached by ClinVar (database versions not stated): 1000 Genomes Project 0.00100; 1000 Genomes Project 30x 0.00109; ESP Exome Variant Server 0.00141; gnomAD 0.00157; TOPMed 0.00187.
gnomAD v4.1: 478 of 1,555,248 alleles (0.031%); highest among the groups gnomAD compares: African/African-American, 0.51%; no homozygotes.

Submission:

PreventionGenetics, part of Exact Sciences
Classification: Likely benign for EPPK1-related condition. Last evaluated: 2022-04-18. Review status: no assertion criteria provided. Collection method: clinical testing. Allele origin: germline.
Comment: This variant is classified as likely benign based on ACMG/AMP sequence variant interpretation guidelines (Richards et al. 2015 PMID: 25741868, with internal and published modifications).

NM_031308.4(EPPK1):c.177C>T (p.Ala59=)

Gene: EPPK1 (epiplakin 1; minus strand). Cytogenetic location: 8q24.3.
Variant type: single nucleotide variant.
Coding change: c.177C>T on transcript NM_031308.4 (MANE Select); coding-DNA position 177, C replaced by T.
Protein change: p.Ala59=; no amino-acid change (alanine 59 retained).
Molecular consequence: synonymous variant.
Genome position (GRCh38, 1-based): chr8:143,873,077, G>A on the plus strand (C>T on the coding strand, the complement: EPPK1 is on the minus strand). VCF-style: chr8-143873077-G-A. GRCh37 (hg19) VCF-style: chr8-144947245-G-A.
Identifiers: ClinVar variation 3053104 (VCV003053104.2), dbSNP rs185626494, ClinGen allele CA4923676.